The following is an entry in ClinVar:

NM_000384.3(APOB):c.8107C>G (p.Leu2703Val)

Gene: APOB (apolipoprotein B; minus strand). Cytogenetic location: 2p24.1.
Variant type: single nucleotide variant.
Coding change: c.8107C>G on transcript NM_000384.3 (MANE Select); coding-DNA position 8107, C replaced by G.
Protein change: p.Leu2703Val; replaces leucine 2703 with valine.
Molecular consequence: missense variant.
Genome position (GRCh38, 1-based): chr2:21,008,761, G>C on the plus strand (C>G on the coding strand, the complement: APOB is on the minus strand). VCF-style: chr2-21008761-G-C. GRCh37 (hg19) VCF-style: chr2-21231633-G-C.
Other names: short protein forms L2703V.
Identifiers: ClinVar variation 2938654 (VCV002938654.16), dbSNP rs202100237, ClinGen allele CA43501316.

ClinVar aggregate classification (germline): Uncertain significance. Review status: criteria provided, multiple submitters, no conflicts (2 of 4 stars). 2 submissions from 2 submitters: Uncertain significance (2). Last evaluated 2024-11-01.

Conditions:
Hypercholesterolemia, autosomal dominant, type B (FHCL2). Also called: HYPERCHOLESTEROLEMIA, FAMILIAL, DUE TO LIGAND-DEFECTIVE APOLIPOPROTEIN B; Familial Hypercholesterolemia Type B; APOLIPOPROTEIN B-100, FAMILIAL DEFECTIVE; APOLIPOPROTEIN B-100, FAMILIAL LIGAND-DEFECTIVE; Familial hypercholesterolemia 2; APOB-Related Familial Hypercholesterolemia, Autosomal Dominant. Identifiers: MedGen C1704417, MONDO:0007751, OMIM 144010.
Familial hypobetalipoproteinemia 1. Also called: Hypobetalipoproteinemia, normotriglyceridemic; Acanthocytosis with hypobetalipoproteinemia; APOB-Related Familial Hypobetalipoproteinemia. Identifiers: MedGen C4551990, MONDO:0014252, OMIM 615558.

Submissions (2):

CeGaT Center for Human Genetics Tuebingen
Classification: Uncertain significance. Last evaluated: 2024-11-01. Review status: criteria provided, single submitter. Criteria: CeGaT Center For Human Genetics Tuebingen Variant Classification Criteria Version 2. Collection method: clinical testing. Allele origin: germline. Affected: yes. Observed: 1 variant allele.
Comment: APOB: PM2, BP4

Labcorp Genetics (formerly Invitae), Labcorp
Classification: Uncertain significance for Familial hypobetalipoproteinemia 1; Hypercholesterolemia, autosomal dominant, type B. Last evaluated: 2023-10-04. Review status: criteria provided, single submitter. Criteria: Invitae Variant Classification Sherloc (09022015). Collection method: clinical testing. Allele origin: germline.
Comment: This sequence change replaces leucine, which is neutral and non-polar, with valine, which is neutral and non-polar, at codon 2703 of the APOB protein (p.Leu2703Val). This variant is not present in population databases (gnomAD no frequency). This variant has not been reported in the literature in individuals affected with APOB-related conditions. Advanced modeling of protein sequence and biophysical properties (such as structural, functional, and spatial information, amino acid conservation, physicochemical variation, residue mobility, and thermodynamic stability) performed at Invitae indicates that this missense variant is not expected to disrupt APOB protein function. In summary, the available evidence is currently insufficient to determine the role of this variant in disease. Therefore, it has been classified as a Variant of Uncertain Significance.